The following is an entry in ClinVar:

NM_000051.4(ATM):c.4723C>G (p.Arg1575Gly)

Gene: ATM (ATM serine/threonine kinase; plus strand). Cytogenetic location: 11q22.3.
Variant type: single nucleotide variant.
Coding change: c.4723C>G on transcript NM_000051.4 (MANE Select); coding-DNA position 4723, C replaced by G.
Protein change: p.Arg1575Gly; replaces arginine 1575 with glycine.
Molecular consequence: missense variant.
Genome position (GRCh38, 1-based): chr11:108,293,424, C>G. VCF-style: chr11-108293424-C-G. GRCh37 (hg19) VCF-style: chr11-108164151-C-G.
Other names: c.4723C>G, p.Arg1575Gly (NM_001351834.2); short protein forms R1575G.
Identifiers: ClinVar variation 1010430 (VCV001010430.11), dbSNP rs1408892416, ClinGen allele CA382534973.
Genomic context (GRCh38, chr11:108,293,424, plus strand): 5'-CTCTATATCACGATTAAGCTTTTAGATCCTTTTCCTGACCATGTTGTTTTTAAGGATTTG[C>G]GTATTACTCAGCAAAAAATCAAATACAGTAGAGGACCCTTTTCACTCTTGGAGGTAATAA-3'
Protein context (NP_000042.3, residues 1565-1585): FPDHVVFKDL[Arg1575Gly]ITQQKIKYSR

ClinVar aggregate classification (germline): Uncertain significance. Review status: criteria provided, multiple submitters, no conflicts (2 of 4 stars). 2 submissions from 2 submitters: Uncertain significance (2). Last evaluated 2020-10-01.

Conditions:
Hereditary cancer-predisposing syndrome. Also called: Tumor predisposition; Hereditary Cancer Syndrome; Neoplastic Syndromes, Hereditary; Hereditary neoplastic syndrome. Identifiers: Orphanet 140162, MedGen C0027672, MeSH D009386, MONDO:0015356.
Ataxia-telangiectasia syndrome (AT). Also called: Cerebello-oculocutaneous telangiectasia; Immunodeficiency with ataxia telangiectasia; ATAXIA-TELANGIECTASIA, COMPLEMENTATION GROUP A; ATAXIA-TELANGIECTASIA, FRESNO VARIANT; LOUIS-BAR SYNDROME; Ataxia-telangiectasia, complementation group E. Identifiers: Orphanet 100, MedGen C0004135, MONDO:0008840, OMIM 208900.

Submissions (2):

Labcorp Genetics (formerly Invitae), Labcorp
Classification: Uncertain significance for Ataxia-telangiectasia syndrome. Last evaluated: 2020-10-01. Review status: criteria provided, single submitter. Criteria: Invitae Variant Classification Sherloc (09022015). Collection method: clinical testing. Allele origin: germline.
Comment: This variant is not present in population databases (ExAC no frequency). This sequence change replaces arginine with glycine at codon 1575 of the ATM protein (p.Arg1575Gly). The arginine residue is highly conserved and there is a moderate physicochemical difference between arginine and glycine. This variant has not been reported in the literature in individuals with ATM-related conditions. In summary, the available evidence is currently insufficient to determine the role of this variant in disease. Therefore, it has been classified as a Variant of Uncertain Significance. Advanced modeling of protein sequence and biophysical properties (such as structural, functional, and spatial information, amino acid conservation, physicochemical variation, residue mobility, and thermodynamic stability) performed at Invitae indicates that this missense variant is not expected to disrupt ATM protein function.

Ambry Genetics
Classification: Uncertain significance for Hereditary cancer-predisposing syndrome. Last evaluated: 2020-03-18. Review status: criteria provided, single submitter. Criteria: Ambry Variant Classification Scheme 2023. Collection method: clinical testing. Allele origin: germline.
Comment: The p.R1575G variant (also known as c.4723C>G), located in coding exon 30 of the ATM gene, results from a C to G substitution at nucleotide position 4723. The arginine at codon 1575 is replaced by glycine, an amino acid with dissimilar properties. This amino acid position is highly conserved in available vertebrate species. In addition, this alteration is predicted to be deleterious by in silico analysis. Since supporting evidence is limited at this time, the clinical significance of this alteration remains unclear.